The following is an entry in ClinVar:

NM_004991.4(MECOM):c.2270T>C (p.Val757Ala)

Gene: MECOM (MDS1 and EVI1 complex locus; minus strand). Cytogenetic location: 3q26.2.
Variant type: single nucleotide variant.
Coding change: c.2270T>C on transcript NM_004991.4 (MANE Select); coding-DNA position 2270, T replaced by C.
Protein change: p.Val757Ala; replaces valine 757 with alanine.
Molecular consequence: missense variant.
Genome position (GRCh38, 1-based): chr3:169,115,602, A>G on the plus strand (T>C on the coding strand, the complement: MECOM is on the minus strand). VCF-style: chr3-169115602-A-G. GRCh37 (hg19) VCF-style: chr3-168833390-A-G.
Other names: c.1706T>C, p.Val569Ala (NM_001205194.2, NM_001366469.2, NM_001366471.2 and 4 more transcripts); c.2270T>C, p.Val757Ala (NM_001366466.2); c.1709T>C, p.Val570Ala (NM_001366467.2, NM_001366468.2, NM_001366470.2 and 1 more transcripts); c.1298T>C, p.Val433Ala (NM_001366473.2); c.734T>C, p.Val245Ala (NM_001366474.2); c.1901T>C, p.Val634Ala (NM_001105077.4); short protein forms V433A, V634A, V757A, V570A, V245A, V569A.
Identifiers: ClinVar variation 5024211 (VCV005024211.1).
Genomic context (GRCh38, chr3:169,115,602, plus strand): 5'-ATACTTAGATCCAGGGGCTGGTCTTGGCTTGTGGCAGGTGTCACTGGAGGCTTGGAGGGG[A>G]CTGGAGTCAAGGGCTTCTCATCCTTTCGCTTAGTGGTGAGATCAAAGGGGGACTCAGAGC-3'
Protein context (NP_004982.2, residues 747-767): KRKDEKPLTP[Val757Ala]PSKPPVTPAT

ClinVar aggregate classification (germline): Uncertain significance (1 of 4 stars; one submission).

Conditions:
Inborn genetic diseases. Identifiers: MedGen C0950123, MeSH D030342.

Submission:

Ambry Genetics
Classification: Uncertain significance for Inborn genetic diseases. Last evaluated: 2026-09-06. Review status: criteria provided, single submitter. Criteria: Ambry Variant Classification Scheme 2023. Collection method: clinical testing. Allele origin: germline.
Comment: The p.V757A variant (also known as c.2270T>C), located in coding exon 8 of the MECOM gene, results from a T to C substitution at nucleotide position 2270. The valine at codon 757 is replaced by alanine, an amino acid with similar properties. This amino acid position is conserved. In addition, this alteration is predicted to be tolerated by in silico analysis. Based on the available evidence, the clinical significance of this variant remains unclear.